The following is an entry in ClinVar:

ClinVar aggregate classification (germline): Conflicting classifications of pathogenicity. Review status: criteria provided, conflicting classifications (1 of 4 stars). 8 submissions from 6 submitters: Uncertain significance (3); Benign (2); Likely benign (3). Last evaluated 2026-07-01.

Conditions:
Paroxysmal extreme pain disorder (PEXPD). Also called: SCN9A Paroxysmal Extreme Pain Disorder (SCN9A-PEPD); PAIN, SUBMANDIBULAR, OCULAR, AND RECTAL, WITH FLUSHING; RECTAL PAIN, FAMILIAL. Identifiers: Orphanet 46348, MedGen C1833661, MONDO:0008179, OMIM 167400.
Generalized epilepsy with febrile seizures plus, type 7 (GEFSP7). Also called: GEFS+, TYPE 7. Identifiers: Orphanet 36387, MedGen C2751778, MONDO:0013470, OMIM 613863.
Neuropathy, hereditary sensory and autonomic, type 2A (HSAN2A). Also called: WNK1-Related HSAN2 (HSAN2A); HSAN IIA; MORVAN DISEASE; ACROOSTEOLYSIS, GIACCAI TYPE; ACROOSTEOLYSIS, NEUROGENIC; NEUROPATHY, CONGENITAL SENSORY. Identifiers: Orphanet 970, MedGen C2752089, MONDO:0024309, OMIM 201300.
Channelopathy-associated congenital insensitivity to pain, autosomal recessive. Also called: Insensitivity to pain, channelopathy-associated; ASYMBOLIA FOR PAIN; CONGENITAL ANALGESIA, AUTOSOMAL RECESSIVE. Identifiers: Orphanet 88642, Orphanet 970, MedGen C1855739, MONDO:0009459, OMIM 243000.
Primary erythromelalgia. Also called: SCN9A Erythromelalgia (SCN9A-EM); primary erythermalgia. Identifiers: Orphanet 306577, Orphanet 90026, MedGen C0014805, MONDO:0007571, OMIM 133020.

Allele frequency attached by ClinVar (database versions not stated): gnomAD 0.00002; TOPMed 0.00009; ExAC 0.00015; gnomAD exomes 0.00019.
gnomAD v4.1: 76 of 1,610,838 alleles (0.0047%); highest among the groups gnomAD compares: Middle Eastern, 0.082%; no homozygotes.

Submissions (8):

CeGaT Center for Human Genetics Tuebingen
Classification: Uncertain significance. Last evaluated: 2026-07-01. Review status: criteria provided, single submitter. Criteria: CeGaT Center For Human Genetics Tuebingen Variant Classification Criteria Version 2. Collection method: clinical testing. Allele origin: germline. Affected: yes. Observed: 1 variant allele.
Comment: SCN9A: PM2, PM3:Supporting, BP5

Labcorp Genetics (formerly Invitae), Labcorp
Classification: Likely benign for Neuropathy, hereditary sensory and autonomic, type 2A; Generalized epilepsy with febrile seizures plus, type 7. Last evaluated: 2026-01-27. Review status: criteria provided, single submitter. Criteria: Invitae Variant Classification Sherloc (09022015). Collection method: clinical testing. Allele origin: germline.

Women's Health and Genetics/Laboratory Corporation of America, LabCorp
Classification: Likely benign. Last evaluated: 2025-11-20. Review status: criteria provided, single submitter. Criteria: LabCorp Variant Classification Summary - May 2015. Collection method: clinical testing. Allele origin: germline.
Comment: Variant summary: SCN9A c.1619G>A (p.Arg540His) results in a non-conservative amino acid change in the encoded protein sequence. Algorithms developed to predict the effect of missense changes on protein structure and function all suggest that this variant is likely to be disruptive. The variant allele was found at a frequency of 0.00019 in 244436 control chromosomes, predominantly at a frequency of 0.0012 within the Latino subpopulation in the gnomAD database. The observed variant frequency within Latino control individuals in the gnomAD database exceeds the estimated maximal expected allele frequency for disease-causing variants in SCN9A. c.1619G>A has been observed in the presumed heterozygous state in at least 1 individual(s) affected with epilepsy (example, Al_Anazi_2022), without strong evidence for causality. These report(s) do not provide unequivocal conclusions about association of the variant with SCN9A-related conditions. To our knowledge, no experimental evidence demonstrating an impact on protein function has been reported. The following publication has been ascertained in the context of this evaluation (PMID: 36539902). ClinVar contains an entry for this variant (Variation ID: 331988). Based on the evidence outlined above, the variant was classified as likely benign.

Blueprint Genetics
Classification: Likely benign. Last evaluated: 2024-11-26. Review status: criteria provided, single submitter. Criteria: ACMG Guidelines, 2015. Collection method: clinical testing. Allele origin: germline.

GeneDx
Classification: Uncertain significance. Last evaluated: 2022-09-22. Review status: criteria provided, single submitter. Criteria: GeneDx Variant Classification Process June 2021. Collection method: clinical testing. Allele origin: germline. Affected: yes.
Comment: In silico analysis supports that this missense variant does not alter protein structure/function; Has not been previously published as pathogenic or benign to our knowledge

Illumina Laboratory Services, Illumina
Classification: Benign for Paroxysmal extreme pain disorder. Last evaluated: 2018-01-13. Review status: criteria provided, single submitter. Criteria: ICSL Variant Classification Criteria 13 December 2019. Collection method: clinical testing. Allele origin: germline.
Comment: This variant was observed in the ICSL laboratory as part of a predisposition screen in an ostensibly healthy population. It had not been previously curated by ICSL or reported in the Human Gene Mutation Database (HGMD: prior to June 1st, 2018), and was therefore a candidate for classification through an automated scoring system. Utilizing variant allele frequency, disease prevalence and penetrance estimates, and inheritance mode, an automated score was calculated to assess if this variant is too frequent to cause the disease. Based on the score and internal cut-off values, a variant classified as benign is not then subjected to further curation. The score for this variant resulted in a classification of benign for this disease.

Illumina Laboratory Services, Illumina
Classification: Benign for Primary erythromelalgia. Last evaluated: 2018-01-13. Review status: criteria provided, single submitter. Criteria: ICSL Variant Classification Criteria 13 December 2019. Collection method: clinical testing. Allele origin: germline.
Comment: the same text as in the submission from Illumina Laboratory Services, Illumina above.

Illumina Laboratory Services, Illumina
Classification: Uncertain significance for Channelopathy-associated congenital insensitivity to pain, autosomal recessive. Last evaluated: 2018-01-13. Review status: criteria provided, single submitter. Criteria: ICSL Variant Classification Criteria 13 December 2019. Collection method: clinical testing. Allele origin: germline.

Literature cited by the submitters: PubMed 36539902 (cited by Women's Health and Genetics/Laboratory Corporation of America, LabCorp).

NM_001365536.1(SCN9A):c.1619G>A (p.Arg540His)

Genes: SCN1A-AS1 (SCN1A and SCN9A antisense RNA 1; plus strand), SCN9A (sodium voltage-gated channel alpha subunit 9; minus strand). Cytogenetic location: 2q24.3.
Variant type: single nucleotide variant.
Coding change: c.1619G>A on transcript NM_001365536.1 (MANE Select); coding-DNA position 1619, G replaced by A.
Protein change: p.Arg540His; replaces arginine 540 with histidine.
Molecular consequence: missense variant.
Genome position (GRCh38, 1-based): chr2:166,284,808, C>T on the plus strand (G>A on the coding strand, the complement: SCN9A is on the minus strand). VCF-style: chr2-166284808-C-T. GRCh37 (hg19) VCF-style: chr2-167141318-C-T.
Other names: c.1619G>A, p.Arg540His (NM_002977.4); short protein forms R540H.
Identifiers: ClinVar variation 331988 (VCV000331988.20), dbSNP rs199748300, ClinGen allele CA1944463.